The following is an entry in ClinVar:

NM_000104.4(CYP1B1):c.*1853G>T

Gene: CYP1B1 (cytochrome P450 family 1 subfamily B member 1; minus strand). Cytogenetic location: 2p22.2.
Variant type: single nucleotide variant.
Coding change: c.*1853G>T on transcript NM_000104.4 (MANE Select); 1853 bases downstream of the stop codon, G replaced by T.
Molecular consequence: 3 prime UTR variant.
Genome position (GRCh38, 1-based): chr2:38,068,869, C>A on the plus strand (G>T on the coding strand, the complement: CYP1B1 is on the minus strand). VCF-style: chr2-38068869-C-A. GRCh37 (hg19) VCF-style: chr2-38296012-C-A.
Identifiers: ClinVar variation 896465 (VCV000896465.5), dbSNP rs9341265, ClinGen allele CA45537750.

ClinVar aggregate classification (germline): Likely benign. Review status: criteria provided, multiple submitters, no conflicts (2 of 4 stars). 3 submissions from 2 submitters: Likely benign (3). Last evaluated 2018-01-13.

Conditions:
Irido-corneo-trabecular dysgenesis (ASGD5). Also called: ANTERIOR SEGMENT DYSGENESIS 5. Identifiers: Orphanet 708, MedGen C0344559, MONDO:0011414, OMIM 604229, HP:0000659.
Glaucoma 3A. Also called: Glaucoma 3, primary congenital, A. Identifiers: Orphanet 98976, Orphanet 98977, MedGen C1856439, MONDO:0009277, OMIM 231300.

Allele frequency attached by ClinVar (database versions not stated): gnomAD 0.00323 and 0.00338; TOPMed 0.00373; 1000 Genomes Project 30x 0.00578; 1000 Genomes Project 0.00679; gnomAD exomes 0.00680.
gnomAD v4.1: 1,034 of 227,302 alleles (0.45%); highest among the groups gnomAD compares: East Asian, 3.9%; 16 homozygotes.

Submissions (3):

Illumina Laboratory Services, Illumina
Classification: Likely benign for Irido-corneo-trabecular dysgenesis. Last evaluated: 2018-01-13. Review status: criteria provided, single submitter. Criteria: ICSL Variant Classification Criteria 13 December 2019. Collection method: clinical testing. Allele origin: germline.
Comment: This variant was observed in the ICSL laboratory as part of a predisposition screen in an ostensibly healthy population. It had not been previously curated by ICSL or reported in the Human Gene Mutation Database (HGMD: prior to June 1st, 2018), and was therefore a candidate for classification through an automated scoring system. Utilizing variant allele frequency, disease prevalence and penetrance estimates, and inheritance mode, an automated score was calculated to assess if this variant is too frequent to cause the disease. Based on the score and internal cut-off values, a variant classified as likely benign is not then subjected to further curation. The score for this variant resulted in a classification of likely benign for this disease.

Illumina Laboratory Services, Illumina
Classification: Likely benign for Glaucoma 3A. Last evaluated: 2018-01-13. Review status: criteria provided, single submitter. Criteria: ICSL Variant Classification Criteria 13 December 2019. Collection method: clinical testing. Allele origin: germline.
Comment: the same text as in the submission from Illumina Laboratory Services, Illumina above.

Breakthrough Genomics
Classification: Likely benign. Review status: criteria provided, single submitter. Criteria: ACMG Guidelines, 2015. Collection method: not provided. Allele origin: germline. Inheritance: Autosomal recessive inheritance. Affected: yes.